The following is an entry in ClinVar:

NM_001101.5(ACTB):c.1028G>A (p.Gly343Asp)

Gene: ACTB (actin beta; minus strand). Cytogenetic location: 7p22.1.
Variant type: single nucleotide variant.
Coding change: c.1028G>A on transcript NM_001101.5 (MANE Select); coding-DNA position 1028, G replaced by A.
Protein change: p.Gly343Asp; replaces glycine 343 with aspartic acid.
Molecular consequence: missense variant.
Genome position (GRCh38, 1-based): chr7:5,527,848, C>T on the plus strand (G>A on the coding strand, the complement: ACTB is on the minus strand). VCF-style: chr7-5527848-C-T. GRCh37 (hg19) VCF-style: chr7-5567479-C-T.
Other names: c.1028G>A (LRG_132t1); short protein forms G343D.
Identifiers: ClinVar variation 393092 (VCV000393092.2), dbSNP rs1057524783, ClinGen allele CA16605227.

ClinVar aggregate classification (germline): Uncertain significance (1 of 4 stars; one submission).

Submission:

GeneDx
Classification: Uncertain significance. Last evaluated: 2017-01-23. Review status: criteria provided, single submitter. Criteria: GeneDx Variant Classification (06012015). Collection method: clinical testing. Allele origin: germline. Affected: yes.
Comment: A variant of uncertain significance has been identified in the ACTB gene. The G343D variant has not been published as a pathogenic variant, nor has it been reported as a benign variant to our knowledge. The G343D variant is not observed in large population cohorts (Lek et al., 2016; 1000 Genomes Consortium et al., 2015; Exome Variant Server). The G343D variant is a non-conservative amino acid substitution, which is likely to impact secondary protein structure as these residues differ in polarity, charge, size and/or other properties. This substitution occurs at a position that is conserved across species and in silico analysis predicts this variant is probably damaging to the protein structure/function. Based on the currently available information, it is unclear whether this variant is a pathogenic variant or a rare benign variant.